The following is an entry in ClinVar:

NM_024580.6(EFL1):c.1036A>T (p.Ser346Cys)

Gene: EFL1 (elongation factor like GTPase 1; minus strand). Cytogenetic location: 15q25.2.
Variant type: single nucleotide variant.
Coding change: c.1036A>T on transcript NM_024580.6 (MANE Select); coding-DNA position 1036, A replaced by T.
Protein change: p.Ser346Cys; replaces serine 346 with cysteine.
Molecular consequence: missense variant. On other transcripts: non-coding transcript variant (1).
Genome position (GRCh38, 1-based): chr15:82,228,224, T>A on the plus strand (A>T on the coding strand, the complement: EFL1 is on the minus strand). VCF-style: chr15-82228224-T-A. GRCh37 (hg19) VCF-style: chr15-82520565-T-A.
Other names: c.883A>T, p.Ser295Cys (NM_001040610.3); c.247A>T, p.Ser83Cys (NM_001322844.2); c.1036A>T, p.Ser346Cys (NM_001322845.2); short protein forms S346C, S83C, S295C.
Identifiers: ClinVar variation 4704972 (VCV004704972.1).

ClinVar aggregate classification (germline): Uncertain significance (1 of 4 stars; one submission).

Submission:

Labcorp Genetics (formerly Invitae), Labcorp
Classification: Uncertain significance. Last evaluated: 2025-09-29. Review status: criteria provided, single submitter. Criteria: Invitae Variant Classification Sherloc (09022015). Collection method: clinical testing. Allele origin: germline.
Comment: This sequence change replaces serine, which is neutral and polar, with cysteine, which is neutral and slightly polar, at codon 346 of the EFL1 protein (p.Ser346Cys). This variant is not present in population databases (gnomAD no frequency). This variant has not been reported in the literature in individuals affected with EFL1-related conditions. Invitae Evidence Modeling of protein sequence and biophysical properties (such as structural, functional, and spatial information, amino acid conservation, physicochemical variation, residue mobility, and thermodynamic stability) indicates that this missense variant is expected to disrupt EFL1 protein function with a positive predictive value of 80%. In summary, the available evidence is currently insufficient to determine the role of this variant in disease. Therefore, it has been classified as a Variant of Uncertain Significance.